The following is an entry in ClinVar:

ClinVar aggregate classification (germline): Conflicting classifications of pathogenicity. Review status: criteria provided, conflicting classifications (1 of 4 stars). 7 submissions from 5 submitters: Uncertain significance (6); Benign (1). Last evaluated 2026-01-13.

Conditions:
COL11A2-related disorder. Also called: COL11A2-related condition; COL11A2-related disorders.
Fibrochondrogenesis 2 (FBCG2). Identifiers: Orphanet 2021, MedGen C3281128, MONDO:0013795, OMIM 614524.
Otospondylomegaepiphyseal dysplasia, autosomal dominant (OSMEDA). Also called: Stickler syndrome, type 3; COL11A2-Related Stickler Syndrome; Pierre Robin syndrome with fetal chondrodysplasia. Identifiers: Orphanet 166100, Orphanet 3450, MedGen C1848488, MONDO:0008490, OMIM 184840.
Otospondylomegaepiphyseal dysplasia, autosomal recessive (OSMEDB). Also called: Insley-Astley syndrome; CHONDRODYSTROPHY WITH SENSORINEURAL DEAFNESS. Identifiers: Orphanet 1427, MedGen CN034493, MONDO:0044206, OMIM 215150.

Allele frequency attached by ClinVar (database versions not stated): gnomAD exomes 0.00001; ExAC 0.00002; gnomAD 0.00005 and 0.00008; TOPMed 0.00006.
gnomAD v4.1: 27 of 1,612,690 alleles (0.0017%); highest among the groups gnomAD compares: African/African-American, 0.035%; no homozygotes.

Submissions (7):

PreventionGenetics, part of Exact Sciences
Classification: Uncertain significance for COL11A2-related condition. Last evaluated: 2026-01-13. Review status: criteria provided, single submitter. Criteria: ACMG Guidelines, 2015. Collection method: clinical testing. Allele origin: germline.
Comment: The COL11A2 c.2300A>G variant is predicted to result in the amino acid substitution p.Glu767Gly. To our knowledge, this variant has not been reported in the literature. This variant is reported in 0.017% of alleles in individuals of African descent in gnomAD. At this time, the clinical significance of this variant is uncertain due to the absence of conclusive functional and genetic evidence.

Labcorp Genetics (formerly Invitae), Labcorp
Classification: Benign. Last evaluated: 2025-06-11. Review status: criteria provided, single submitter. Criteria: Invitae Variant Classification Sherloc (09022015). Collection method: clinical testing. Allele origin: germline.

Blueprint Genetics
Classification: Uncertain significance. Last evaluated: 2024-02-12. Review status: criteria provided, single submitter. Criteria: ACMG Guidelines, 2015. Collection method: clinical testing. Allele origin: germline.

Illumina Laboratory Services, Illumina
Classification: Uncertain significance for Otospondylomegaepiphyseal dysplasia, autosomal recessive. Last evaluated: 2018-01-12. Review status: criteria provided, single submitter. Criteria: ICSL Variant Classification Criteria 13 December 2019. Collection method: clinical testing. Allele origin: germline.

Illumina Laboratory Services, Illumina
Classification: Uncertain significance for Fibrochondrogenesis 2. Last evaluated: 2018-01-12. Review status: criteria provided, single submitter. Criteria: ICSL Variant Classification Criteria 13 December 2019. Collection method: clinical testing. Allele origin: germline.

Illumina Laboratory Services, Illumina
Classification: Uncertain significance for Otospondylomegaepiphyseal dysplasia, autosomal dominant. Last evaluated: 2018-01-12. Review status: criteria provided, single submitter. Criteria: ICSL Variant Classification Criteria 13 December 2019. Collection method: clinical testing. Allele origin: germline.

Eurofins Ntd Llc (ga)
Classification: Uncertain significance. Last evaluated: 2018-01-09. Review status: criteria provided, single submitter. Criteria: EGL Classification Definitions 2015. Collection method: clinical testing. Allele origin: germline. Observed: 1 variant allele, 1 heterozygote.

NM_080680.3(COL11A2):c.2300A>G (p.Glu767Gly)

Gene: COL11A2 (collagen type XI alpha 2 chain; minus strand). Cytogenetic location: 6p21.32.
Variant type: single nucleotide variant.
Coding change: c.2300A>G on transcript NM_080680.3 (MANE Select); coding-DNA position 2300, A replaced by G.
Protein change: p.Glu767Gly; replaces glutamic acid 767 with glycine.
Molecular consequence: missense variant.
Genome position (GRCh38, 1-based): chr6:33,175,650, T>C on the plus strand (A>G on the coding strand, the complement: COL11A2 is on the minus strand). VCF-style: chr6-33175650-T-C. GRCh37 (hg19) VCF-style: chr6-33143427-T-C.
Other names: c.1979A>G, p.Glu660Gly (NM_080679.3); c.2042A>G, p.Glu681Gly (NM_080681.3); short protein forms E767G, E660G, E681G.
Identifiers: ClinVar variation 286092 (VCV000286092.15), dbSNP rs775641112, ClinGen allele CA3750958.